The following is an entry in ClinVar:

ClinVar aggregate classification (germline): Uncertain significance. Review status: criteria provided, multiple submitters, no conflicts (2 of 4 stars). 2 submissions from 2 submitters: Uncertain significance (2). Last evaluated 2026-03-13.

Conditions:
Hereditary cancer-predisposing syndrome. Also called: Hereditary neoplastic syndrome; Tumor predisposition; Neoplastic Syndromes, Hereditary; Hereditary Cancer Syndrome. Identifiers: Orphanet 140162, MedGen C0027672, MeSH D009386, MONDO:0015356.

Submissions (2):

Women's Health and Genetics/Laboratory Corporation of America, LabCorp
Classification: Uncertain significance. Last evaluated: 2026-03-13. Review status: criteria provided, single submitter. Criteria: LabCorp Variant Classification Summary - May 2015. Collection method: clinical testing. Allele origin: germline.
Comment: Variant summary: PHOX2B c.603_608dupTCCCAA (p.Asn203_Pro204dup) results in an in-frame duplication that is predicted to duplicate 2 amino acids into the encoded protein. The variant was absent in 244622 control chromosomes. The available data on variant occurrences in the general population are insufficient to allow any conclusion about variant significance. To our knowledge, no occurrence of c.603_608dupTCCCAA in individuals affected with PHOX2B-related conditions and no experimental evidence demonstrating its impact on protein function have been reported. ClinVar contains an entry for this variant (Variation ID: 1751181). Based on the evidence outlined above, the variant was classified as uncertain significance.

Ambry Genetics
Classification: Uncertain significance for Hereditary cancer-predisposing syndrome. Last evaluated: 2021-10-28. Review status: criteria provided, single submitter. Criteria: Ambry Variant Classification Scheme 2023. Collection method: clinical testing. Allele origin: germline.
Comment: The c.603_608dupTCCCAA variant (also known as p.P204_T205insPN), located in coding exon 3 of the PHOX2B gene, results from an in-frame duplication of TCCCAA at nucleotide positions 603 to 608. This results in the insertion of 2 extra residues (proline and asparagine) between codons 204 and 205. The amino acid positions in this region are generally well conserved in available vertebrate species. In addition, this alteration is predicted to be neutral by in silico analysis (Choi Y et al. PLoS ONE. 2012; 7(10):e46688). Since supporting evidence is limited at this time, the clinical significance of this alteration remains unclear.

NM_003924.4(PHOX2B):c.597TCCCAA[3] (p.Pro204_Thr205insAsnPro)

Gene: PHOX2B (paired like homeobox 2B; minus strand). Cytogenetic location: 4p13.
Variant type: Microsatellite.
Coding change: c.597TCCCAA[3] on transcript NM_003924.4 (MANE Select); three copies in a row of the 6-base unit TCCCAA starting at c.597; the reference has two copies in a row; one copy, 6 bases duplicated.
Protein change: p.Pro204_Thr205insAsnPro.
Molecular consequence: inframe insertion. On other transcripts: inframe indel (2).
Genome position (GRCh38, 1-based): chr4:41,746,144-41,746,149, TTGGGA duplicated on the plus strand (TCCCAA on the coding strand, the reverse complement: PHOX2B is on the minus strand); duplicating any 6 consecutive bases within chr4:41,746,144-41,746,155 gives the same sequence; the position shown is the placement nearest the transcript's 3' end. VCF-style (leftmost placement, unchanged base first): chr4-41746143-G-GTTGGGA. GRCh37 (hg19) VCF-style: chr4-41748160-G-GTTGGGA.
Other names: c.597_602TCCCAA[3], p.Pro204_Thr205insAsnPro (NM_003924.3); c.603_608dupTCCCAA (NM_003924.3, NM_003924.4).
Identifiers: ClinVar variation 1751181 (VCV001751181.3), dbSNP rs2552096863, ClinGen allele CA2580616091.